The following is an entry in ClinVar:

NM_015404.4(WHRN):c.1750C>T (p.Arg584Cys)

Gene: WHRN (whirlin; minus strand). Cytogenetic location: 9q32.
Variant type: single nucleotide variant.
Coding change: c.1750C>T on transcript NM_015404.4 (MANE Select); coding-DNA position 1750, C replaced by T.
Protein change: p.Arg584Cys; replaces arginine 584 with cysteine.
Molecular consequence: missense variant.
Genome position (GRCh38, 1-based): chr9:114,406,841, G>A on the plus strand (C>T on the coding strand, the complement: WHRN is on the minus strand). VCF-style: chr9-114406841-G-A. GRCh37 (hg19) VCF-style: chr9-117169121-G-A.
Other names: c.601C>T, p.Arg201Cys (NM_001083885.3); c.1750C>T, p.Arg584Cys (NM_001173425.2); c.697C>T, p.Arg233Cys (NM_001346890.1); short protein forms R233C, R201C, R584C.
Identifiers: ClinVar variation 1494778 (VCV001494778.8), dbSNP rs551155761, ClinGen allele CA5205822.

ClinVar aggregate classification (germline): Uncertain significance (1 of 4 stars; one submission).

Allele frequency attached by ClinVar (database versions not stated): ExAC 0.00002; gnomAD 0.00002 and 0.00001; gnomAD exomes 0.00002; 1000 Genomes Project 30x 0.00016; 1000 Genomes Project 0.00020; TOPMed 0.00001.

Submission:

Labcorp Genetics (formerly Invitae), Labcorp
Classification: Uncertain significance. Last evaluated: 2025-08-30. Review status: criteria provided, single submitter. Criteria: Invitae Variant Classification Sherloc (09022015). Collection method: clinical testing. Allele origin: germline.
Comment: This sequence change replaces arginine, which is basic and polar, with cysteine, which is neutral and slightly polar, at codon 584 of the WHRN protein (p.Arg584Cys). This variant is present in population databases (rs551155761, gnomAD 0.03%). This variant has not been reported in the literature in individuals affected with WHRN-related conditions. ClinVar contains an entry for this variant (Variation ID: 1494778). An algorithm developed to predict the effect of missense changes on protein structure and function (PolyPhen-2) suggests that this variant is likely to be tolerated. In summary, the available evidence is currently insufficient to determine the role of this variant in disease. Therefore, it has been classified as a Variant of Uncertain Significance.